The following is an entry in ClinVar:

NM_001128164.2(ATXN1):c.627TCAGCA[1] (p.209HQ[1])

Genes: ATXN1 (ataxin 1; minus strand), LOC108663993 (ataxin 1 repeat instability region; plus strand). Cytogenetic location: 6p22.3.
Variant type: Microsatellite.
Coding change: c.627TCAGCA[1] on transcript NM_001128164.2 (MANE Select); one copy of the 6-base unit TCAGCA starting at c.627; the reference has two copies in a row; one copy, 6 bases deleted.
Protein change: p.209HQ[1].
Molecular consequence: inframe indel (on NM_000332.3). On other transcripts: 3 prime UTR variant (1).
Genome position (GRCh38, 1-based): chr6:16,327,673-16,327,678, TGCTGA deleted on the plus strand (TCAGCA on the coding strand, the reverse complement: ATXN1 is on the minus strand); deleting any 6 consecutive bases within chr6:16,327,673-16,327,689 gives the same sequence; the position shown is the placement nearest the transcript's 3' end. VCF-style (leftmost placement, unchanged base first): chr6-16327672-CTGCTGA-C. GRCh37 (hg19) VCF-style: chr6-16327903-CTGCTGA-C.
Other names: c.622_627CAGCAT[1], p.His211_Gln212del (NM_000332.3); c.627TCAGCA[1], p.209HQ[1] (NM_000332.4); c.*40TCAGCA[1] (NM_001357857.2); c.633_638del6 (NM_000332.3).
Identifiers: ClinVar variation 3055471 (VCV003055471.2), dbSNP rs749872352, ClinGen allele CA3645557.

ClinVar aggregate classification (germline): Benign (0 of 4 stars; one submission).

Conditions:
ATXN1-related disorder. Also called: ATXN1-related condition.

Submission:

PreventionGenetics, part of Exact Sciences
Classification: Benign for ATXN1-related condition. Last evaluated: 2019-08-15. Review status: no assertion criteria provided. Collection method: clinical testing. Allele origin: germline.
Comment: This variant is classified as benign based on ACMG/AMP sequence variant interpretation guidelines (Richards et al. 2015 PMID: 25741868, with internal and published modifications).